The following is an entry in ClinVar:

NM_198253.3(TERT):c.1924G>A (p.Ala642Thr)

Gene: TERT (telomerase reverse transcriptase; minus strand). Cytogenetic location: 5p15.33.
Variant type: single nucleotide variant.
Coding change: c.1924G>A on transcript NM_198253.3 (MANE Select); coding-DNA position 1924, G replaced by A.
Protein change: p.Ala642Thr; replaces alanine 642 with threonine.
Molecular consequence: missense variant. On other transcripts: non-coding transcript variant (2).
Genome position (GRCh38, 1-based): chr5:1,280,184, C>T on the plus strand (G>A on the coding strand, the complement: TERT is on the minus strand). VCF-style: chr5-1280184-C-T. GRCh37 (hg19) VCF-style: chr5-1280299-C-T.
Other names: c.1924G>A, p.Ala642Thr (NM_001193376.3); short protein forms A642T.
Identifiers: ClinVar variation 654952 (VCV000654952.11), dbSNP rs761603068, ClinGen allele CA3184729.

ClinVar aggregate classification (germline): Uncertain significance. Review status: criteria provided, multiple submitters, no conflicts (2 of 4 stars). 3 submissions from 3 submitters: Uncertain significance (3). Last evaluated 2025-11-17.

Conditions:
Dyskeratosis congenita. Identifiers: Orphanet 1775, MedGen C0265965, MONDO:0015780.
Dyskeratosis congenita, autosomal dominant 2. Identifiers: MedGen C3151443, MONDO:0013521, OMIM 613989.
Idiopathic Pulmonary Fibrosis. Also called: Idiopathic fibrosing alveolitis, chronic form; idiopathic fibrosing alveolitis. Identifiers: Orphanet 2032, MedGen C1800706, MeSH D054990, MONDO:0800504.

Allele frequency attached by ClinVar (database versions not stated): TOPMed 0.00001; gnomAD 0.00001; ExAC 0.00002.
gnomAD v4.1: 4 of 1,613,982 alleles (0.00025%); highest among the groups gnomAD compares: African/African-American, 0.0013%; no homozygotes.

Submissions (3):

Labcorp Genetics (formerly Invitae), Labcorp
Classification: Uncertain significance for Dyskeratosis congenita, autosomal dominant 2; Idiopathic Pulmonary Fibrosis. Last evaluated: 2025-11-17. Review status: criteria provided, single submitter. Criteria: Invitae Variant Classification Sherloc (09022015). Collection method: clinical testing. Allele origin: germline.
Comment: This sequence change replaces alanine, which is neutral and non-polar, with threonine, which is neutral and polar, at codon 642 of the TERT protein (p.Ala642Thr). This variant is present in population databases (rs761603068, gnomAD 0.002%). This variant has not been reported in the literature in individuals affected with TERT-related conditions. ClinVar contains an entry for this variant (Variation ID: 654952). Invitae Evidence Modeling of protein sequence and biophysical properties (such as structural, functional, and spatial information, amino acid conservation, physicochemical variation, residue mobility, and thermodynamic stability) indicates that this missense variant is not expected to disrupt TERT protein function with a negative predictive value of 95%. In summary, the available evidence is currently insufficient to determine the role of this variant in disease. Therefore, it has been classified as a Variant of Uncertain Significance.

Ambry Genetics
Classification: Uncertain significance for Dyskeratosis congenita. Last evaluated: 2025-02-27. Review status: criteria provided, single submitter. Criteria: Ambry Variant Classification Scheme 2023. Collection method: clinical testing. Allele origin: germline.
Comment: The p.A642T variant (also known as c.1924G>A), located in coding exon 4 of the TERT gene, results from a G to A substitution at nucleotide position 1924. The alanine at codon 642 is replaced by threonine, an amino acid with similar properties. This amino acid position is not well conserved in available vertebrate species. In addition, this alteration is predicted to be tolerated by in silico analysis. Based on the available evidence, the clinical significance of this variant remains unclear.

Baylor Genetics
Classification: Uncertain significance for Dyskeratosis congenita, autosomal dominant 2. Last evaluated: 2024-02-23. Review status: criteria provided, single submitter. Criteria: ACMG Guidelines, 2015. Collection method: clinical testing. Allele origin: unknown.